The following is an entry in ClinVar:

ClinVar aggregate classification (germline): Uncertain significance (1 of 4 stars; one submission).

Submission:

Labcorp Genetics (formerly Invitae), Labcorp
Classification: Uncertain significance. Last evaluated: 2025-02-24. Review status: criteria provided, single submitter. Criteria: Invitae Variant Classification Sherloc (09022015). Collection method: clinical testing. Allele origin: germline.
Comment: This sequence change replaces asparagine, which is neutral and polar, with lysine, which is basic and polar, at codon 277 of the ZNF341 protein (p.Asn277Lys). This variant is not present in population databases (gnomAD no frequency). This variant has not been reported in the literature in individuals affected with ZNF341-related conditions. ClinVar contains an entry for this variant (Variation ID: 2114205). An algorithm developed to predict the effect of missense changes on protein structure and function (PolyPhen-2) suggests that this variant is likely to be tolerated. In summary, the available evidence is currently insufficient to determine the role of this variant in disease. Therefore, it has been classified as a Variant of Uncertain Significance.

NM_001282933.2(ZNF341):c.831C>A (p.Asn277Lys)

Gene: ZNF341 (zinc finger protein 341; plus strand). Cytogenetic location: 20q11.22.
Variant type: single nucleotide variant.
Coding change: c.831C>A on transcript NM_001282933.2 (MANE Select); coding-DNA position 831, C replaced by A.
Protein change: p.Asn277Lys; replaces asparagine 277 with lysine.
Molecular consequence: missense variant. On other transcripts: non-coding transcript variant (1).
Genome position (GRCh38, 1-based): chr20:33,757,237, C>A. VCF-style: chr20-33757237-C-A. GRCh37 (hg19) VCF-style: chr20-32345043-C-A.
Other names: c.561C>A, p.Asn187Lys (NM_001282935.2); c.831C>A, p.Asn277Lys (NM_032819.5); short protein forms N187K, N277K.
Identifiers: ClinVar variation 2114205 (VCV002114205.2), dbSNP rs1228182527, ClinGen allele CA408651474.